The following is an entry in ClinVar:

ClinVar aggregate classification (germline): Conflicting classifications of pathogenicity. Review status: criteria provided, conflicting classifications (1 of 4 stars). 2 submissions from 2 submitters: Uncertain significance (1); Likely benign (1). Last evaluated 2024-10-10.

Conditions:
Hereditary sensory and autonomic neuropathy type 7. Also called: HSAN VII; Neuropathy, hereditary sensory and autonomic, type VII. Identifiers: Orphanet 391397, MedGen C3809882, MONDO:0014244, OMIM 615548.
Familial episodic pain syndrome with predominantly lower limb involvement. Also called: Episodic pain syndrome, familial, 3. Identifiers: Orphanet 391384, Orphanet 391392, MedGen C3809899, MONDO:0014247, OMIM 615552.

Allele frequency attached by ClinVar (database versions not stated): gnomAD exomes below 0.00001; TOPMed below 0.00001.
gnomAD v4.1: 7 of 1,614,184 alleles (0.00043%); highest among the groups gnomAD compares: Non-Finnish European, 0.00051%; no homozygotes.

Submissions (2):

Victorian Clinical Genetics Services, Murdoch Childrens Research Institute
Classification: Likely benign for Hereditary sensory and autonomic neuropathy type 7. Last evaluated: 2024-10-10. Review status: criteria provided, single submitter. Criteria: ACMG Guidelines, 2015. Collection method: clinical testing. Allele origin: germline. Inheritance: Autosomal dominant inheritance. Affected: yes.
Comment: Based on the classification scheme VCGS_Germline_v1.3.5, this variant is classified as Likely benign. Following criteria are met: 0101 - Gain of function is a known mechanism of disease in this gene and is associated with familial episodic pain syndrome 3 (MIM#615552) and hereditary sensory and autonomic neuropathy, type VII (MIM#615548) (PMID: 25791876). (I) 0107 - This gene is associated with autosomal dominant disease. (I) 0200 - Variant is predicted to result in a missense amino acid change from lysine to glutamic acid. (I) 0251 - This variant is heterozygous. (I) 0302 - Variant is present in gnomAD (v4) <0.001 for a dominant condition (7 heterozygotes, 0 homozygotes). (SP) 0501 - Missense variant consistently predicted to be damaging by multiple in silico tools or highly conserved with a major amino acid change. (SP) 0604 - Variant is not located in an established domain, motif, hotspot or informative constraint region. (I) 0705 - No comparable missense variants have previous evidence for pathogenicity. (I) 0807 - This variant has no previous evidence of pathogenicity. (I) 0904 - Non-segregation of this variant with the phenotype under investigation has been clearly demonstrated. (SB) 1007 - No published functional evidence has been identified for this variant. (I) Legend: (SP) - Supporting pathogenic, (I) - Information, (SB) - Supporting benign

Labcorp Genetics (formerly Invitae), Labcorp
Classification: Uncertain significance for Familial episodic pain syndrome with predominantly lower limb involvement; Hereditary sensory and autonomic neuropathy type 7. Last evaluated: 2023-06-15. Review status: criteria provided, single submitter. Criteria: Invitae Variant Classification Sherloc (09022015). Collection method: clinical testing. Allele origin: germline.
Comment: This sequence change replaces lysine, which is basic and polar, with glutamic acid, which is acidic and polar, at codon 1632 of the SCN11A protein (p.Lys1632Glu). This variant is not present in population databases (gnomAD no frequency). In summary, the available evidence is currently insufficient to determine the role of this variant in disease. Therefore, it has been classified as a Variant of Uncertain Significance. Advanced modeling of protein sequence and biophysical properties (such as structural, functional, and spatial information, amino acid conservation, physicochemical variation, residue mobility, and thermodynamic stability) performed at Invitae indicates that this missense variant is not expected to disrupt SCN11A protein function. ClinVar contains an entry for this variant (Variation ID: 1805943). This variant has not been reported in the literature in individuals affected with SCN11A-related conditions.

Literature cited by the submitters: PubMed 25791876 (cited by Victorian Clinical Genetics Services, Murdoch Childrens Research Institute).

NM_001349253.2(SCN11A):c.4894A>G (p.Lys1632Glu)

Gene: SCN11A (sodium voltage-gated channel alpha subunit 11; minus strand). Cytogenetic location: 3p22.2.
Variant type: single nucleotide variant.
Coding change: c.4894A>G on transcript NM_001349253.2 (MANE Select); coding-DNA position 4894, A replaced by G.
Protein change: p.Lys1632Glu; replaces lysine 1632 with glutamic acid.
Molecular consequence: missense variant.
Genome position (GRCh38, 1-based): chr3:38,847,176, T>C on the plus strand (A>G on the coding strand, the complement: SCN11A is on the minus strand). VCF-style: chr3-38847176-T-C. GRCh37 (hg19) VCF-style: chr3-38888667-T-C.
Other names: c.4894A>G, p.Lys1632Glu (NM_014139.3); short protein forms K1632E.
Identifiers: ClinVar variation 1805943 (VCV001805943.5), dbSNP rs2064684700, ClinGen allele CA352162171.
Genomic context (GRCh38, chr3:38,847,176, plus strand): 5'-CATCAGCAAAGTCAGAAAGGGCAGAATATTTGATAAATTGTGTTGCTTCTGGGTCAAACT[T>C]TTCCCACACTTCATAAAATATGTCAAAGTCATCTTCACCCAAAGGGTCCTCACTTTCTTC-3'
Protein context (NP_001336182.1, residues 1622-1642): DFDIFYEVWE[Lys1632Glu]FDPEATQFIK